The following is an entry in ClinVar:

NM_020964.3(EPG5):c.5725A>G (p.Met1909Val)

Gene: EPG5 (ectopic P-granules 5 autophagy tethering factor; minus strand). Cytogenetic location: 18q12.3.
Variant type: single nucleotide variant.
Coding change: c.5725A>G on transcript NM_020964.3 (MANE Select); coding-DNA position 5725, A replaced by G.
Protein change: p.Met1909Val; replaces methionine 1909 with valine.
Molecular consequence: missense variant.
Genome position (GRCh38, 1-based): chr18:45,879,157, T>C on the plus strand (A>G on the coding strand, the complement: EPG5 is on the minus strand). VCF-style: chr18-45879157-T-C. GRCh37 (hg19) VCF-style: chr18-43459122-T-C.
Other names: c.5725A>G, p.Met1909Val (NM_001410858.1, NM_001410859.1); short protein forms M1909V.
Identifiers: ClinVar variation 4870531 (VCV004870531.2).

ClinVar aggregate classification (germline): Uncertain significance. Review status: criteria provided, multiple submitters, no conflicts (2 of 4 stars). 2 submissions from 2 submitters: Uncertain significance (2). Last evaluated 2026-03-17.

Conditions:
Inborn genetic diseases. Identifiers: MedGen C0950123, MeSH D030342.

Submissions (2):

Ambry Genetics
Classification: Uncertain significance for Inborn genetic diseases. Last evaluated: 2026-03-17. Review status: criteria provided, single submitter. Criteria: Ambry Variant Classification Scheme 2023. Collection method: clinical testing. Allele origin: germline.

GeneDx
Classification: Uncertain significance. Last evaluated: 2026-03-14. Review status: criteria provided, single submitter. Criteria: GeneDx Variant Classification Process June 2021. Collection method: clinical testing. Allele origin: germline.
Comment: Not observed at significant frequency in large population cohorts (gnomAD); In silico analysis suggests that this missense variant does not alter protein structure/function; Has not been previously published as pathogenic or benign to our knowledge